The following is an entry in ClinVar:

ClinVar aggregate classification (germline): Uncertain significance. Review status: criteria provided, multiple submitters, no conflicts (2 of 4 stars). 4 submissions from 4 submitters: Uncertain significance (4). Last evaluated 2025-05-04.

Conditions:
Hereditary cancer-predisposing syndrome. Also called: Hereditary Cancer Syndrome; Hereditary neoplastic syndrome; Neoplastic Syndromes, Hereditary; Tumor predisposition. Identifiers: Orphanet 140162, MedGen C0027672, MeSH D009386, MONDO:0015356.
Peutz-Jeghers syndrome (PJS). Also called: POLYPOSIS, HAMARTOMATOUS INTESTINAL; POLYPS-AND-SPOTS SYNDROME; Peutz-Jeghers polyposis; Periorificial lentiginosis syndrome. Identifiers: Orphanet 2869, MedGen C0031269, MeSH D010580, MONDO:0008280, OMIM 175200.

Submissions (4):

Labcorp Genetics (formerly Invitae), Labcorp
Classification: Uncertain significance for Peutz-Jeghers syndrome. Last evaluated: 2025-05-04. Review status: criteria provided, single submitter. Criteria: Invitae Variant Classification Sherloc (09022015). Collection method: clinical testing. Allele origin: germline.
Comment: This sequence change replaces glutamic acid, which is acidic and polar, with lysine, which is basic and polar, at codon 256 of the STK11 protein (p.Glu256Lys). This variant is not present in population databases (gnomAD no frequency). This variant has not been reported in the literature in individuals affected with STK11-related conditions. ClinVar contains an entry for this variant (Variation ID: 922688). Invitae Evidence Modeling of protein sequence and biophysical properties (such as structural, functional, and spatial information, amino acid conservation, physicochemical variation, residue mobility, and thermodynamic stability) has been performed for this missense variant. However, the output from this modeling did not meet the statistical confidence thresholds required to predict the impact of this variant on STK11 protein function. In summary, the available evidence is currently insufficient to determine the role of this variant in disease. Therefore, it has been classified as a Variant of Uncertain Significance.

Genome-Nilou Lab
Classification: Uncertain significance for Peutz-Jeghers syndrome. Last evaluated: 2021-07-15. Review status: criteria provided, single submitter. Criteria: ACMG Guidelines, 2015. Collection method: clinical testing. Allele origin: germline. Affected: no.

Ambry Genetics
Classification: Uncertain significance for Hereditary cancer-predisposing syndrome. Last evaluated: 2020-11-13. Review status: criteria provided, single submitter. Criteria: Ambry Variant Classification Scheme 2023. Collection method: clinical testing. Allele origin: germline.
Comment: The p.E256K variant (also known as c.766G>A), located in coding exon 6 of the STK11 gene, results from a G to A substitution at nucleotide position 766. The glutamic acid at codon 256 is replaced by lysine, an amino acid with similar properties. This amino acid position is highly conserved in available vertebrate species. In addition, the in silico prediction for this alteration is inconclusive. Since supporting evidence is limited at this time, the clinical significance of this alteration remains unclear.

Color Diagnostics, LLC DBA Color Health
Classification: Uncertain significance for Hereditary cancer-predisposing syndrome. Last evaluated: 2019-07-19. Review status: criteria provided, single submitter. Criteria: ACMG Guidelines, 2015. Collection method: clinical testing. Allele origin: germline.
Comment: This missense variant replaces glutamic acid with lysine at codon 256 of the STK11 protein. Computational prediction tools and conservation analyses are inconclusive regarding the impact of this variant on the protein function. Computational splicing tools suggest that this variant may not impact RNA splicing. To our knowledge, functional assays have not been performed for this variant nor has this variant been reported in individuals affected with hereditary cancer in the literature. This variant has not been identified in the general population by the Genome Aggregation Database (gnomAD). Available evidence is insufficient to determine the role of this variant in disease conclusively. Therefore, this variant is classified as a Variant of Uncertain Significance.

NM_000455.5(STK11):c.766G>A (p.Glu256Lys)

Gene: STK11 (serine/threonine kinase 11; plus strand). Cytogenetic location: 19p13.3.
Variant type: single nucleotide variant.
Coding change: c.766G>A on transcript NM_000455.5 (MANE Select); coding-DNA position 766, G replaced by A.
Protein change: p.Glu256Lys; replaces glutamic acid 256 with lysine.
Molecular consequence: missense variant.
Genome position (GRCh38, 1-based): chr19:1,221,244, G>A. VCF-style: chr19-1221244-G-A. GRCh37 (hg19) VCF-style: chr19-1221243-G-A.
Other names: short protein forms E256K.
Identifiers: ClinVar variation 922688 (VCV000922688.16), dbSNP rs1057520606, ClinGen allele CA402950416.